The following is an entry in ClinVar:

ClinVar aggregate classification (germline): Uncertain significance (1 of 4 stars; one submission).

Conditions:
Werner syndrome (WRN). Identifiers: Orphanet 902, MedGen C0043119, MONDO:0010196, OMIM 277700.

Allele frequency attached by ClinVar (database versions not stated): TOPMed 0.00001.

Submission:

Labcorp Genetics (formerly Invitae), Labcorp
Classification: Uncertain significance for Werner syndrome. Last evaluated: 2023-06-04. Review status: criteria provided, single submitter. Criteria: Invitae Variant Classification Sherloc (09022015). Collection method: clinical testing. Allele origin: germline.
Comment: In summary, the available evidence is currently insufficient to determine the role of this variant in disease. Therefore, it has been classified as a Variant of Uncertain Significance. An algorithm developed to predict the effect of missense changes on protein structure and function (PolyPhen-2) suggests that this variant is likely to be disruptive. ClinVar contains an entry for this variant (Variation ID: 1019437). This variant has not been reported in the literature in individuals affected with WRN-related conditions. This variant is not present in population databases (gnomAD no frequency). This sequence change replaces valine, which is neutral and non-polar, with alanine, which is neutral and non-polar, at codon 568 of the WRN protein (p.Val568Ala).

NM_000553.6(WRN):c.1703T>C (p.Val568Ala)

Gene: WRN (WRN RecQ like helicase; plus strand). Cytogenetic location: 8p12.
Variant type: single nucleotide variant.
Coding change: c.1703T>C on transcript NM_000553.6 (MANE Select); coding-DNA position 1703, T replaced by C.
Protein change: p.Val568Ala; replaces valine 568 with alanine.
Molecular consequence: missense variant.
Genome position (GRCh38, 1-based): chr8:31,090,515, T>C. VCF-style: chr8-31090515-T-C. GRCh37 (hg19) VCF-style: chr8-30948031-T-C.
Other names: short protein forms V568A.
Identifiers: ClinVar variation 1019437 (VCV001019437.3), dbSNP rs1813705866, ClinGen allele CA370927068.
Genomic context (GRCh38, chr8:31,090,515, plus strand): 5'-CACCTTCAAGAGTTCAGTGGAAAGTGATTCATTCAGTATTAGAAGAAAGAAGAGATAATG[T>C]TGCTGTCATGGCAACTGGTAAGTTGTACTTAAGCAAAACCTAATCCTTTAAAAAAATAAA-3'
Protein context (NP_000544.2, residues 558-578): HSVLEERRDN[Val568Ala]AVMATGYGKS